The following is an entry in ClinVar:

ClinVar aggregate classification (germline): Uncertain significance (1 of 4 stars; one submission).

Submission:

Medical Genetic Center, Changzhi Maternal and Child Health Care Hospital
Classification: Uncertain significance. Last evaluated: 2025-12-10. Review status: criteria provided, single submitter. Criteria: ACMG/ClinGen CNV Guidelines, 2019. Collection method: clinical testing. Allele origin: unknown.
Comment: STRC deletion cariirer

GRCh38/hg38 15q15.3(chr15:43615311-43715339)x1

Genes: CATSPER2 (cation channel sperm associated 2; minus strand), CKMT1A (creatine kinase, mitochondrial 1A; plus strand), STRC (stereocilin; minus strand), LOC130056948 (ATAC-STARR-seq lymphoblastoid active region 9316; plus strand), LOC130056949 (ATAC-STARR-seq lymphoblastoid active region 9317; plus strand). Cytogenetic location: 15q15.3.
Variant type: copy number loss.
Change: copy number 1 (one copy instead of two) of chr15:43,615,311-43,715,339 (100.0 kb, GRCh38 coordinates, 1-based), cytogenetic band 15q15.3.
Identifiers: ClinVar variation 4796369 (VCV004796369.1).